The following is an entry in ClinVar:

NM_005215.4(DCC):c.2212A>G (p.Thr738Ala)

Gene: DCC (DCC netrin 1 receptor; plus strand). Cytogenetic location: 18q21.2.
Variant type: single nucleotide variant.
Coding change: c.2212A>G on transcript NM_005215.4 (MANE Select); coding-DNA position 2212, A replaced by G.
Protein change: p.Thr738Ala; replaces threonine 738 with alanine.
Molecular consequence: missense variant.
Genome position (GRCh38, 1-based): chr18:53,339,760, A>G. VCF-style: chr18-53339760-A-G. GRCh37 (hg19) VCF-style: chr18-50866130-A-G.
Other names: short protein forms T738A.
Identifiers: ClinVar variation 1313318 (VCV001313318.2), dbSNP rs2057634346, ClinGen allele CA402469321.

ClinVar aggregate classification (germline): Uncertain significance (1 of 4 stars; one submission).

Allele frequency attached by ClinVar (database versions not stated): gnomAD exomes below 0.00001.
gnomAD v4.1: 1 of 1,613,950 alleles (0.000062%); highest among the groups gnomAD compares: Non-Finnish European, 0.000085%; no homozygotes.

Submission:

GeneDx
Classification: Uncertain significance. Last evaluated: 2020-10-26. Review status: criteria provided, single submitter. Criteria: GeneDx Variant Classification Process June 2021. Collection method: clinical testing. Allele origin: germline. Affected: yes.
Comment: Not observed in large population cohorts (Lek et al., 2016); In silico analysis supports that this missense variant has a deleterious effect on protein structure/function; Has not been previously published as pathogenic or benign to our knowledge